The following is an entry in ClinVar:

ClinVar aggregate classification (germline): Uncertain significance (1 of 4 stars; one submission).

Conditions:
Early-infantile DEE. Also called: Early infantile epileptic encephalopathy; Early infantile epileptic encephalopathy with suppression bursts; Ohtahara syndrome. Identifiers: Orphanet 1934, MedGen C0393706, MONDO:0800491.

Submission:

Labcorp Genetics (formerly Invitae), Labcorp
Classification: Uncertain significance for Early-infantile DEE. Last evaluated: 2022-07-12. Review status: criteria provided, single submitter. Criteria: Invitae Variant Classification Sherloc (09022015). Collection method: clinical testing. Allele origin: germline.
Comment: The frequency data for this variant in the population databases is considered unreliable, as metrics indicate poor data quality at this position in the gnomAD database. This sequence change replaces proline, which is neutral and non-polar, with threonine, which is neutral and polar, at codon 12 of the ARHGEF15 protein (p.Pro12Thr). This variant has not been reported in the literature in individuals affected with ARHGEF15-related conditions. In summary, the available evidence is currently insufficient to determine the role of this variant in disease. Therefore, it has been classified as a Variant of Uncertain Significance. Algorithms developed to predict the effect of missense changes on protein structure and function are either unavailable or do not agree on the potential impact of this missense change (SIFT: "Deleterious"; PolyPhen-2: "Probably Damaging"; Align-GVGD: "Class C0"). ClinVar contains an entry for this variant (Variation ID: 1350040).

NM_173728.4(ARHGEF15):c.34C>A (p.Pro12Thr)

Gene: ARHGEF15 (Rho guanine nucleotide exchange factor 15; plus strand). Cytogenetic location: 17p13.1.
Variant type: single nucleotide variant.
Coding change: c.34C>A on transcript NM_173728.4 (MANE Select); coding-DNA position 34, C replaced by A.
Protein change: p.Pro12Thr; replaces proline 12 with threonine.
Molecular consequence: missense variant.
Genome position (GRCh38, 1-based): chr17:8,312,073, C>A. VCF-style: chr17-8312073-C-A. GRCh37 (hg19) VCF-style: chr17-8215391-C-A.
Other names: c.34C>A, p.Pro12Thr (NM_025014.2); short protein forms P12T.
Identifiers: ClinVar variation 1350040 (VCV001350040.9), dbSNP rs150480540, ClinGen allele CA8374762.